The following is an entry in ClinVar:

NM_022168.4(IFIH1):c.2798del (p.Pro933fs)

Gene: IFIH1 (interferon induced with helicase C domain 1; minus strand). Cytogenetic location: 2q24.2.
Variant type: Deletion.
Coding change: c.2798del on transcript NM_022168.4 (MANE Select); coding-DNA position 2798, one base deleted (C; older notation c.2798delC).
Protein change: p.Pro933fs; shifts the reading frame from proline 933.
Molecular consequence: frameshift variant.
Genome position (GRCh38, 1-based): chr2:162,268,096, G deleted on the plus strand (C on the coding strand, the reverse complement: IFIH1 is on the minus strand); the first of 4 consecutive G bases (chr2:162,268,096-162,268,099); deleting any one gives the same sequence. VCF-style (leftmost placement, unchanged base first): chr2-162268095-TG-T. GRCh37 (hg19) VCF-style: chr2-163124605-TG-T.
Other names: short protein forms P933fs.
Identifiers: ClinVar variation 2117395 (VCV002117395.4), dbSNP rs2468944419, ClinGen allele CA2580064161.

ClinVar aggregate classification (germline): Uncertain significance (1 of 4 stars; one submission).

Conditions:
Singleton-Merten syndrome 1 (SGMRT1). Also called: Widened medullary cavities of bone, aortic calcification, abnormal dentition, and muscular weakness; Syndrome of widened medullary cavities of the metacarpals and phalanges, aortic calcification and abnormal dentition. Identifiers: Orphanet 85191, MedGen C4225427, MONDO:0024535, OMIM 182250.
Aicardi-Goutieres syndrome 7 (AGS7). Identifiers: Orphanet 51, MedGen C3888244, MONDO:0014367, OMIM 615846.

Submission:

Labcorp Genetics (formerly Invitae), Labcorp
Classification: Uncertain significance for Aicardi-Goutieres syndrome 7; Singleton-Merten syndrome 1. Last evaluated: 2022-10-24. Review status: criteria provided, single submitter. Criteria: Invitae Variant Classification Sherloc (09022015). Collection method: clinical testing. Allele origin: germline.
Comment: This variant has not been reported in the literature in individuals affected with IFIH1-related conditions. In summary, the available evidence is currently insufficient to determine the role of this variant in disease. Therefore, it has been classified as a Variant of Uncertain Significance. This variant is not present in population databases (gnomAD no frequency). This sequence change creates a premature translational stop signal (p.Pro933Glnfs*9) in the IFIH1 gene. It is expected to result in an absent or disrupted protein product. However, the current clinical and genetic evidence is not sufficient to establish whether loss-of-function variants in IFIH1 cause disease.